The following is an entry in ClinVar:

NM_001256789.3(CACNA1F):c.3751G>A (p.Val1251Met)

Gene: CACNA1F (calcium voltage-gated channel subunit alpha1 F; minus strand). Cytogenetic location: Xp11.23.
Variant type: single nucleotide variant.
Coding change: c.3751G>A on transcript NM_001256789.3 (MANE Select); coding-DNA position 3751, G replaced by A.
Protein change: p.Val1251Met; replaces valine 1251 with methionine.
Molecular consequence: missense variant.
Genome position (GRCh38, 1-based): chrX:49,213,860, C>T on the plus strand (G>A on the coding strand, the complement: CACNA1F is on the minus strand). VCF-style: chrX-49213860-C-T. GRCh37 (hg19) VCF-style: chrX-49070320-C-T.
Other names: c.3589G>A, p.Val1197Met (NM_001256790.3); c.3784G>A, p.Val1262Met (NM_005183.4); short protein forms V1251M, V1197M, V1262M.
Identifiers: ClinVar variation 3656272 (VCV003656272.2).

ClinVar aggregate classification (germline): Uncertain significance (1 of 4 stars; one submission).

gnomAD v4.1: 1 of 1,205,791 alleles (0.000083%); no homozygotes.

Submission:

Labcorp Genetics (formerly Invitae), Labcorp
Classification: Uncertain significance. Last evaluated: 2024-06-19. Review status: criteria provided, single submitter. Criteria: Invitae Variant Classification Sherloc (09022015). Collection method: clinical testing. Allele origin: germline.
Comment: This sequence change replaces valine, which is neutral and non-polar, with methionine, which is neutral and non-polar, at codon 1262 of the CACNA1F protein (p.Val1262Met). This variant is not present in population databases (gnomAD no frequency). This variant has not been reported in the literature in individuals affected with CACNA1F-related conditions. Advanced modeling of protein sequence and biophysical properties (such as structural, functional, and spatial information, amino acid conservation, physicochemical variation, residue mobility, and thermodynamic stability) performed at Invitae indicates that this missense variant is expected to disrupt CACNA1F protein function with a positive predictive value of 80%. In summary, the available evidence is currently insufficient to determine the role of this variant in disease. Therefore, it has been classified as a Variant of Uncertain Significance.